The following is an entry in ClinVar:

NM_001282225.2(ADA2):c.1004A>C (p.His335Pro)

Gene: ADA2 (adenosine deaminase 2; minus strand). Cytogenetic location: 22q11.1.
Variant type: single nucleotide variant.
Coding change: c.1004A>C on transcript NM_001282225.2 (MANE Select); coding-DNA position 1004, A replaced by C.
Protein change: p.His335Pro; replaces histidine 335 with proline.
Molecular consequence: missense variant.
Genome position (GRCh38, 1-based): chr22:17,188,416, T>G on the plus strand (A>C on the coding strand, the complement: ADA2 is on the minus strand). VCF-style: chr22-17188416-T-G. GRCh37 (hg19) VCF-style: chr22-17669306-T-G.
Other names: c.1004A>C, p.His335Pro (NM_001282226.2); c.878A>C, p.His293Pro (NM_001282227.2, NM_001282228.2); c.644A>C, p.His215Pro (NM_001282229.2); c.281A>C, p.His94Pro (NM_177405.3); short protein forms H293P, H94P, H215P, H335P.
Identifiers: ClinVar variation 2904982 (VCV002904982.3), dbSNP rs2231495, ClinGen allele CA10088002.

ClinVar aggregate classification (germline): Uncertain significance (1 of 4 stars; one submission).

Conditions:
Deficiency of adenosine deaminase 2. Also called: Polyarteritis nodosa, childhoood-onset; Adenosine Deaminase 2 Deficiency; VASCULITIS, AUTOINFLAMMATION, IMMUNODEFICIENCY, AND HEMATOLOGIC DEFECTS SYNDROME. Identifiers: Orphanet 404553, MedGen C3887654, MONDO:0014306, OMIM 615688, MONDO:0100317.

Submission:

Labcorp Genetics (formerly Invitae), Labcorp
Classification: Uncertain significance for Deficiency of adenosine deaminase 2. Last evaluated: 2023-10-19. Review status: criteria provided, single submitter. Criteria: Invitae Variant Classification Sherloc (09022015). Collection method: clinical testing. Allele origin: germline.
Comment: This sequence change replaces histidine, which is basic and polar, with proline, which is neutral and non-polar, at codon 335 of the ADA2 protein (p.His335Pro). This variant is present in population databases (rs2231495, gnomAD 0.003%). This missense change has been observed in individual(s) with adenosine deaminase 2 deficiency (PMID: 33757531). This variant is also known as c.878A>C (p.H293P). Advanced modeling of protein sequence and biophysical properties (such as structural, functional, and spatial information, amino acid conservation, physicochemical variation, residue mobility, and thermodynamic stability) has been performed at Invitae for this missense variant, however the output from this modeling did not meet the statistical confidence thresholds required to predict the impact of this variant on ADA2 protein function. Experimental studies are conflicting or provide insufficient evidence to determine the effect of this variant on ADA2 function (PMID: 34004258). In summary, the available evidence is currently insufficient to determine the role of this variant in disease. Therefore, it has been classified as a Variant of Uncertain Significance.

Literature cited by the submitters: PubMed 33757531; PubMed 34004258.